The following is an entry in ClinVar:

ClinVar aggregate classification (germline): Uncertain significance (1 of 4 stars; one submission).

gnomAD v4.1: 1 of 1,498,146 alleles (0.000067%); highest among the groups gnomAD compares: Non-Finnish European, 0.000089%; no homozygotes.

Submission:

Ambry Genetics
Classification: Uncertain significance. Last evaluated: 2025-08-13. Review status: criteria provided, single submitter. Criteria: Ambry Variant Classification Scheme 2023. Collection method: clinical testing. Allele origin: germline.
Comment: The p.Q1754L variant (also known as c.5261A>T), located in coding exon 22 of the WNK2 gene, results from an A to T substitution at nucleotide position 5261. The glutamine at codon 1754 is replaced by leucine, an amino acid with dissimilar properties. This amino acid position is conserved. In addition, the in silico prediction for this alteration is inconclusive. Based on the available evidence, the clinical significance of this variant remains unclear.

NM_006648.4(WNK2):c.5261A>T (p.Gln1754Leu)

Gene: WNK2 (WNK lysine deficient protein kinase 2; plus strand). Cytogenetic location: 9q22.31.
Variant type: single nucleotide variant.
Coding change: c.5261A>T on transcript NM_006648.4 (MANE Select); coding-DNA position 5261, A replaced by T.
Protein change: p.Gln1754Leu; replaces glutamine 1754 with leucine.
Molecular consequence: missense variant.
Genome position (GRCh38, 1-based): chr9:93,292,726, A>T. VCF-style: chr9-93292726-A-T. GRCh37 (hg19) VCF-style: chr9-96055008-A-T.
Other names: c.5372A>T, p.Gln1791Leu (NM_001282394.3); short protein forms Q1754L, Q1791L.
Identifiers: ClinVar variation 4201747 (VCV004201747.1).